The following is an entry in ClinVar:

ClinVar aggregate classification (germline): Uncertain significance (1 of 4 stars; one submission).

Allele frequency attached by ClinVar (database versions not stated): gnomAD exomes 0.00001; gnomAD 0.00001; TOPMed 0.00001.

Submission:

Labcorp Genetics (formerly Invitae), Labcorp
Classification: Uncertain significance. Last evaluated: 2025-08-24. Review status: criteria provided, single submitter. Criteria: Invitae Variant Classification Sherloc (09022015). Collection method: clinical testing. Allele origin: germline.
Comment: This sequence change replaces glycine, which is neutral and non-polar, with glutamic acid, which is acidic and polar, at codon 351 of the TFRC protein (p.Gly351Glu). This variant is not present in population databases (gnomAD no frequency). This variant has not been reported in the literature in individuals affected with TFRC-related conditions. ClinVar contains an entry for this variant (Variation ID: 2088698). Invitae Evidence Modeling of protein sequence and biophysical properties (such as structural, functional, and spatial information, amino acid conservation, physicochemical variation, residue mobility, and thermodynamic stability) indicates that this missense variant is not expected to disrupt TFRC protein function with a negative predictive value of 80%. In summary, the available evidence is currently insufficient to determine the role of this variant in disease. Therefore, it has been classified as a Variant of Uncertain Significance.

NM_001128148.3(TFRC):c.1052G>A (p.Gly351Glu)

Gene: TFRC (transferrin receptor; minus strand). Cytogenetic location: 3q29.
Variant type: single nucleotide variant.
Coding change: c.1052G>A on transcript NM_001128148.3 (MANE Select); coding-DNA position 1052, G replaced by A.
Protein change: p.Gly351Glu; replaces glycine 351 with glutamic acid.
Molecular consequence: missense variant.
Genome position (GRCh38, 1-based): chr3:196,065,589, C>T on the plus strand (G>A on the coding strand, the complement: TFRC is on the minus strand). VCF-style: chr3-196065589-C-T. GRCh37 (hg19) VCF-style: chr3-195792460-C-T.
Other names: c.809G>A, p.Gly270Glu (NM_001313965.2); c.206G>A, p.Gly69Glu (NM_001313966.2); c.1052G>A, p.Gly351Glu (NM_003234.4); short protein forms G351E, G270E, G69E.
Identifiers: ClinVar variation 2088698 (VCV002088698.4), dbSNP rs959036247, ClinGen allele CA90752148.